The following is an entry in ClinVar:

NM_004667.6(HERC2):c.3986T>C (p.Val1329Ala)

Gene: HERC2 (HECT and RLD domain containing E3 ubiquitin protein ligase 2; minus strand). Cytogenetic location: 15q13.1.
Variant type: single nucleotide variant.
Coding change: c.3986T>C on transcript NM_004667.6 (MANE Select); coding-DNA position 3986, T replaced by C.
Protein change: p.Val1329Ala; replaces valine 1329 with alanine.
Molecular consequence: missense variant.
Genome position (GRCh38, 1-based): chr15:28,236,980, A>G on the plus strand (T>C on the coding strand, the complement: HERC2 is on the minus strand). VCF-style: chr15-28236980-A-G. GRCh37 (hg19) VCF-style: chr15-28482126-A-G.
Other names: c.3986T>C (NM_004667.4); short protein forms V1329A.
Identifiers: ClinVar variation 1320493 (VCV001320493.4), dbSNP rs770780725, ClinGen allele CA7442768.

ClinVar aggregate classification (germline): Uncertain significance. Review status: criteria provided, multiple submitters, no conflicts (2 of 4 stars). 2 submissions from 2 submitters: Uncertain significance (2). Last evaluated 2021-08-17.

Conditions:
Inborn genetic diseases. Identifiers: MedGen C0950123, MeSH D030342.

Allele frequency attached by ClinVar (database versions not stated): gnomAD exomes below 0.00001; ExAC 0.00001.
gnomAD v4.1: 2 of 1,611,914 alleles (0.00012%); highest among the groups gnomAD compares: Admixed American, 0.0017%; no homozygotes.

Submissions (2):

Ambry Genetics
Classification: Uncertain significance for Inborn genetic diseases. Last evaluated: 2021-08-17. Review status: criteria provided, single submitter. Criteria: Ambry Variant Classification Scheme 2023. Collection method: clinical testing. Allele origin: germline.

GeneDx
Classification: Uncertain significance. Last evaluated: 2021-03-29. Review status: criteria provided, single submitter. Criteria: GeneDx Variant Classification Process June 2021. Collection method: clinical testing. Allele origin: germline. Affected: yes.
Comment: Not observed at a significant frequency in large population cohorts (Lek et al., 2016); In silico analysis supports that this missense variant does not alter protein structure/function; Has not been previously published as pathogenic or benign to our knowledge